The following is an entry in ClinVar:

NM_001273.5(CHD4):c.1858G>C (p.Glu620Gln)

Gene: CHD4 (chromodomain helicase DNA binding protein 4; minus strand). Cytogenetic location: 12p13.31.
Variant type: single nucleotide variant.
Coding change: c.1858G>C on transcript NM_001273.5 (MANE Select); coding-DNA position 1858, G replaced by C.
Protein change: p.Glu620Gln; replaces glutamic acid 620 with glutamine.
Molecular consequence: missense variant.
Genome position (GRCh38, 1-based): chr12:6,597,928, C>G on the plus strand (G>C on the coding strand, the complement: CHD4 is on the minus strand). VCF-style: chr12-6597928-C-G. GRCh37 (hg19) VCF-style: chr12-6707094-C-G.
Other names: c.1837G>C, p.Glu613Gln (NM_001297553.2); c.1819G>C, p.Glu607Gln (NM_001363606.2); short protein forms E607Q, E613Q, E620Q.
Identifiers: ClinVar variation 2500662 (VCV002500662.1), dbSNP rs1592279181, ClinGen allele CA383597623.

ClinVar aggregate classification (germline): Uncertain significance (1 of 4 stars; one submission).

Submission:

GeneDx
Classification: Uncertain significance. Last evaluated: 2022-11-01. Review status: criteria provided, single submitter. Criteria: GeneDx Variant Classification Process June 2021. Collection method: clinical testing. Allele origin: germline. Affected: yes.
Comment: Not observed at significant frequency in large population cohorts (gnomAD); In silico analysis supports that this missense variant has a deleterious effect on protein structure/function; Has not been previously published as pathogenic or benign to our knowledge